The following is an entry in ClinVar:

ClinVar aggregate classification (germline): Uncertain significance. Review status: criteria provided, multiple submitters, no conflicts (2 of 4 stars). 2 submissions from 2 submitters: Uncertain significance (2). Last evaluated 2026-01-28.

Conditions:
Neuropathy, hereditary sensory and autonomic, type 2A (HSAN2A). Also called: ACROOSTEOLYSIS, GIACCAI TYPE; ACROOSTEOLYSIS, NEUROGENIC; MORVAN DISEASE; NEUROPATHY, CONGENITAL SENSORY; NEUROPATHY, HEREDITARY SENSORY RADICULAR, AUTOSOMAL RECESSIVE; NEUROPATHY, HEREDITARY SENSORY, TYPE IIA. Identifiers: Orphanet 970, MedGen C2752089, MONDO:0024309, OMIM 201300.
Pseudohypoaldosteronism type 2C (PHA2C). Also called: Pseudohypoaldosteronism Type IIC. Identifiers: Orphanet 757, Orphanet 88940, MedGen C1840391, MONDO:0013778, OMIM 614492.

gnomAD v4.1: 10 of 1,614,094 alleles (0.00062%); highest among the groups gnomAD compares: African/African-American, 0.0013%; no homozygotes.

Submissions (2):

Labcorp Genetics (formerly Invitae), Labcorp
Classification: Uncertain significance for Neuropathy, hereditary sensory and autonomic, type 2A; Pseudohypoaldosteronism type 2C. Last evaluated: 2026-01-28. Review status: criteria provided, single submitter. Criteria: Invitae Variant Classification Sherloc (09022015). Collection method: clinical testing. Allele origin: germline.
Comment: This sequence change replaces serine, which is neutral and polar, with cysteine, which is neutral and slightly polar, at codon 2230 of the WNK1 protein (p.Ser2230Cys). This variant is not present in population databases (gnomAD no frequency). This variant has not been reported in the literature in individuals affected with WNK1-related conditions. ClinVar contains an entry for this variant (Variation ID: 3574150). Invitae Evidence Modeling of protein sequence and biophysical properties (such as structural, functional, and spatial information, amino acid conservation, physicochemical variation, residue mobility, and thermodynamic stability) indicates that this missense variant is not expected to disrupt WNK1 protein function with a negative predictive value of 95%. In summary, the available evidence is currently insufficient to determine the role of this variant in disease. Therefore, it has been classified as a Variant of Uncertain Significance.

Fulgent Genetics
Classification: Uncertain significance for Neuropathy, hereditary sensory and autonomic, type 2A; Pseudohypoaldosteronism type 2C. Last evaluated: 2024-04-27. Review status: criteria provided, single submitter. Criteria: ACMG Guidelines, 2015. Collection method: clinical testing. Allele origin: germline.

NM_018979.4(WNK1):c.5933C>G (p.Ser1978Cys)

Gene: WNK1 (WNK lysine deficient protein kinase 1; plus strand). Cytogenetic location: 12p13.33.
Variant type: single nucleotide variant.
Coding change: c.5933C>G on transcript NM_018979.4 (MANE Select); coding-DNA position 5933, C replaced by G.
Protein change: p.Ser1978Cys; replaces serine 1978 with cysteine.
Molecular consequence: missense variant.
Genome position (GRCh38, 1-based): chr12:896,420, C>G. VCF-style: chr12-896420-C-G. GRCh37 (hg19) VCF-style: chr12-1005586-C-G.
Other names: c.6713C>G, p.Ser2238Cys (NM_001184985.2); c.5189C>G, p.Ser1730Cys (NM_014823.3); c.6689C>G, p.Ser2230Cys (NM_213655.5); short protein forms S1730C, S2238C, S1978C, S2230C.
Identifiers: ClinVar variation 3574150 (VCV003574150.2).